The following is an entry in ClinVar:

NM_004813.4(PEX16):c.421A>C (p.Ile141Leu)

Gene: PEX16 (peroxisomal biogenesis factor 16; minus strand). Cytogenetic location: 11p11.2.
Variant type: single nucleotide variant.
Coding change: c.421A>C on transcript NM_004813.4 (MANE Select); coding-DNA position 421, A replaced by C.
Protein change: p.Ile141Leu; replaces isoleucine 141 with leucine.
Molecular consequence: missense variant.
Genome position (GRCh38, 1-based): chr11:45,915,507, T>G on the plus strand (A>C on the coding strand, the complement: PEX16 is on the minus strand). VCF-style: chr11-45915507-T-G. GRCh37 (hg19) VCF-style: chr11-45937058-T-G.
Other names: c.421A>C, p.Ile141Leu (NM_057174.3); short protein forms I141L.
Identifiers: ClinVar variation 1061942 (VCV001061942.9), dbSNP rs761426585, ClinGen allele CA380228278.

ClinVar aggregate classification (germline): Uncertain significance (1 of 4 stars; one submission).

Conditions:
Peroxisome biogenesis disorder. Identifiers: Orphanet 79189, MedGen C1832200, MONDO:0019234. Disease mechanism: loss of function.

Submission:

Labcorp Genetics (formerly Invitae), Labcorp
Classification: Uncertain significance for Peroxisome biogenesis disorder. Last evaluated: 2022-02-10. Review status: criteria provided, single submitter. Criteria: Invitae Variant Classification Sherloc (09022015). Collection method: clinical testing. Allele origin: germline.
Comment: In summary, the available evidence is currently insufficient to determine the role of this variant in disease. Therefore, it has been classified as a Variant of Uncertain Significance. Algorithms developed to predict the effect of missense changes on protein structure and function are either unavailable or do not agree on the potential impact of this missense change (SIFT: "Deleterious"; PolyPhen-2: "Benign"; Align-GVGD: "Class C0"). ClinVar contains an entry for this variant (Variation ID: 1061942). This variant has not been reported in the literature in individuals affected with PEX16-related conditions. This variant is not present in population databases (gnomAD no frequency). This sequence change replaces isoleucine, which is neutral and non-polar, with leucine, which is neutral and non-polar, at codon 141 of the PEX16 protein (p.Ile141Leu).